The following is an entry in ClinVar:

ClinVar aggregate classification (germline): Conflicting classifications of pathogenicity. Review status: criteria provided, conflicting classifications (1 of 4 stars). 4 submissions from 4 submitters: Uncertain significance (1); Likely benign (3). Last evaluated 2026-06-01.

Conditions:
Cardiovascular phenotype. Identifiers: MedGen CN230736.
Autosomal recessive limb-girdle muscular dystrophy type 2J (LGMDR10). Also called: MUSCULAR DYSTROPHY, LIMB-GIRDLE, AUTOSOMAL RECESSIVE 10; Limb-girdle muscular dystrophy, type 2J. Identifiers: Orphanet 140922, MedGen C1837342, MONDO:0012127, OMIM 608807.
Dilated cardiomyopathy 1G (CMD1G). Identifiers: Orphanet 154, MedGen C1858763, MONDO:0011400, OMIM 604145.

Allele frequency attached by ClinVar (database versions not stated): gnomAD 0.00001; TOPMed 0.00002.
gnomAD v4.1: 21 of 1,613,322 alleles (0.0013%); highest among the groups gnomAD compares: Admixed American, 0.0067%; no homozygotes.

Submissions (4):

CeGaT Center for Human Genetics Tuebingen
Classification: Likely benign. Last evaluated: 2026-06-01. Review status: criteria provided, single submitter. Criteria: CeGaT Center For Human Genetics Tuebingen Variant Classification Criteria Version 2. Collection method: clinical testing. Allele origin: germline. Affected: yes. Observed: 1 variant allele.
Comment: TTN: BP4, BP7

Labcorp Genetics (formerly Invitae), Labcorp
Classification: Likely benign for Dilated cardiomyopathy 1G; Autosomal recessive limb-girdle muscular dystrophy type 2J. Last evaluated: 2025-11-25. Review status: criteria provided, single submitter. Criteria: Invitae Variant Classification Sherloc (09022015). Collection method: clinical testing. Allele origin: germline.

Ambry Genetics
Classification: Likely benign for Cardiovascular phenotype. Last evaluated: 2021-07-30. Review status: criteria provided, single submitter. Criteria: Ambry Variant Classification Scheme 2023. Collection method: clinical testing. Allele origin: germline.

Eurofins Ntd Llc (ga)
Classification: Uncertain significance. Last evaluated: 2017-11-06. Review status: criteria provided, single submitter. Criteria: EGL Classification Definitions 2015. Collection method: clinical testing. Allele origin: germline. Observed: 2 variant alleles, 2 heterozygotes.

NM_001267550.2(TTN):c.42613T>C (p.Leu14205=)

Gene: TTN (titin; minus strand). Cytogenetic location: 2q31.2.
Variant type: single nucleotide variant.
Coding change: c.42613T>C on transcript NM_001267550.2 (MANE Select); coding-DNA position 42613, T replaced by C.
Protein change: p.Leu14205=; no amino-acid change (leucine 14205 retained).
Molecular consequence: synonymous variant.
Genome position (GRCh38, 1-based): chr2:178,633,886, A>G on the plus strand (T>C on the coding strand, the complement: TTN is on the minus strand). VCF-style: chr2-178633886-A-G. GRCh37 (hg19) VCF-style: chr2-179498613-A-G.
Other names: c.37690T>C, p.Leu12564= (NM_001256850.1); c.15418T>C, p.Leu5140= (NM_003319.4); c.34909T>C, p.Leu11637= (NM_133378.4); c.15793T>C, p.Leu5265= (NM_133432.3); c.15994T>C, p.Leu5332= (NM_133437.4).
Identifiers: ClinVar variation 594830 (VCV000594830.10), dbSNP rs747480084, ClinGen allele CA1996042.